The following is an entry in ClinVar:

ClinVar aggregate classification (germline): Likely benign. Review status: criteria provided, single submitter (1 of 4 stars). 2 submissions from 2 submitters: Likely benign (1). 1 of the submissions does not count toward it. Last evaluated 2025-04-22.

Conditions:
SP7-related disorder. Also called: SP7-related condition.

Allele frequency attached by ClinVar (database versions not stated): gnomAD exomes 0.00001 and 0.00004; ExAC 0.00003; gnomAD 0.00013 and 0.00014; TOPMed 0.00017; ESP Exome Variant Server 0.00032.
gnomAD v4.1: 39 of 1,603,482 alleles (0.0024%); highest among the groups gnomAD compares: African/African-American, 0.047%; no homozygotes.

Submissions (2):

Labcorp Genetics (formerly Invitae), Labcorp
Classification: Likely benign. Last evaluated: 2025-04-22. Review status: criteria provided, single submitter. Criteria: Invitae Variant Classification Sherloc (09022015). Collection method: clinical testing. Allele origin: germline.

PreventionGenetics, part of Exact Sciences
Classification: Likely benign for SP7-related condition. Last evaluated: 2019-02-22. Review status: no assertion criteria provided. Collection method: clinical testing. Allele origin: germline. Not counted in ClinVar's aggregate classification.
Comment: This variant is classified as likely benign based on ACMG/AMP sequence variant interpretation guidelines (Richards et al. 2015 PMID: 25741868, with internal and published modifications).

NM_001173467.3(SP7):c.585G>T (p.Leu195=)

Gene: SP7 (Sp7 transcription factor; minus strand). Cytogenetic location: 12q13.13.
Variant type: single nucleotide variant.
Coding change: c.585G>T on transcript NM_001173467.3 (MANE Select); coding-DNA position 585, G replaced by T.
Protein change: p.Leu195=; no amino-acid change (leucine 195 retained).
Molecular consequence: synonymous variant.
Genome position (GRCh38, 1-based): chr12:53,328,857, C>A on the plus strand (G>T on the coding strand, the complement: SP7 is on the minus strand). VCF-style: chr12-53328857-C-A. GRCh37 (hg19) VCF-style: chr12-53722641-C-A.
Other names: c.531G>T, p.Leu177= (NM_001300837.2); c.585G>T, p.Leu195= (NM_152860.2).
Identifiers: ClinVar variation 746783 (VCV000746783.9), dbSNP rs377134368, ClinGen allele CA6599554.